The following is an entry in ClinVar:

NM_015915.5(ATL1):c.1568C>G (p.Ala523Gly)

Gene: ATL1 (atlastin GTPase 1; plus strand). Cytogenetic location: 14q22.1.
Variant type: single nucleotide variant.
Coding change: c.1568C>G on transcript NM_015915.5 (MANE Select); coding-DNA position 1568, C replaced by G.
Protein change: p.Ala523Gly; replaces alanine 523 with glycine.
Molecular consequence: missense variant.
Genome position (GRCh38, 1-based): chr14:50,632,230, C>G. VCF-style: chr14-50632230-C-G. GRCh37 (hg19) VCF-style: chr14-51098948-C-G.
Other names: c.1553C>G, p.Ala518Gly (NM_001127713.1, NM_181598.4); short protein forms A518G, A523G.
Identifiers: ClinVar variation 4805527 (VCV004805527.1).
Genomic context (GRCh38, chr14:50,632,230, plus strand): 5'-AAAATTTTACATCTGTGTGTTTAATAAAATGTTTTATAATTTTGATGCTTTTATTCTAGG[C>G]TTTGTACAAGCTTTACAGTGCAGCAGCAACCCACAGACATCTGTATCATCAAGCTTTCCC-3'
Protein context (NP_056999.2, residues 513-533): ALWDQGSTNE[Ala523Gly]LYKLYSAAAT

ClinVar aggregate classification (germline): Uncertain significance (1 of 4 stars; one submission).

Conditions:
Hereditary spastic paraplegia 3A (SPG3A). Also called: Spastic paraplegia 3A, autosomal dominant; SPASTIC PARAPLEGIA 3, AUTOSOMAL DOMINANT; FAMILIAL SPASTIC PARAPLEGIA, AUTOSOMAL DOMINANT, 1; SPG3; STRUMPELL DISEASE; Spastic Paraplegia 3A. Identifiers: Orphanet 100984, MedGen C2931355, MONDO:0008437, OMIM 182600.

Submission:

Labcorp Genetics (formerly Invitae), Labcorp
Classification: Uncertain significance for Hereditary spastic paraplegia 3A. Last evaluated: 2025-03-11. Review status: criteria provided, single submitter. Criteria: Invitae Variant Classification Sherloc (09022015). Collection method: clinical testing. Allele origin: germline.
Comment: This sequence change replaces alanine, which is neutral and non-polar, with glycine, which is neutral and non-polar, at codon 523 of the ATL1 protein (p.Ala523Gly). This variant is not present in population databases (gnomAD no frequency). This variant has not been reported in the literature in individuals affected with ATL1-related conditions. Invitae Evidence Modeling of protein sequence and biophysical properties (such as structural, functional, and spatial information, amino acid conservation, physicochemical variation, residue mobility, and thermodynamic stability) has been performed for this missense variant. However, the output from this modeling did not meet the statistical confidence thresholds required to predict the impact of this variant on ATL1 protein function. In summary, the available evidence is currently insufficient to determine the role of this variant in disease. Therefore, it has been classified as a Variant of Uncertain Significance.